The following is an entry in ClinVar:

NM_000051.4(ATM):c.7371G>A (p.Glu2457=)

Genes: ATM (ATM serine/threonine kinase; plus strand), C11orf65 (chromosome 11 open reading frame 65; minus strand). Cytogenetic location: 11q22.3.
Variant type: single nucleotide variant.
Coding change: c.7371G>A on transcript NM_000051.4 (MANE Select); coding-DNA position 7371, G replaced by A.
Protein change: p.Glu2457=; no amino-acid change (glutamic acid 2457 retained).
Molecular consequence: synonymous variant. On other transcripts: intron variant (2).
Genome position (GRCh38, 1-based): chr11:108,330,277, G>A. VCF-style: chr11-108330277-G-A. GRCh37 (hg19) VCF-style: chr11-108201004-G-A.
Other names: c.7371G>A, p.Glu2457= (NM_001351834.2); c.641-21206C>T (NM_001330368.2); c.*38+4943C>T (NM_001351110.2).
Identifiers: ClinVar variation 453680 (VCV000453680.17), dbSNP rs1454725863, ClinGen allele CA476676872.

ClinVar aggregate classification (germline): Benign/Likely benign. Review status: criteria provided, multiple submitters, no conflicts (2 of 4 stars). 4 submissions from 4 submitters: Benign (1); Likely benign (3). Last evaluated 2025-04-20.

Conditions:
Hereditary cancer-predisposing syndrome. Also called: Neoplastic Syndromes, Hereditary; Hereditary Cancer Syndrome; Tumor predisposition; Hereditary neoplastic syndrome. Identifiers: Orphanet 140162, MedGen C0027672, MeSH D009386, MONDO:0015356.
Ataxia-telangiectasia syndrome (AT). Also called: LOUIS-BAR SYNDROME; Cerebello-oculocutaneous telangiectasia; Immunodeficiency with ataxia telangiectasia; Ataxia-telangiectasia, complementation group D; AT, COMPLEMENTATION GROUP C; Ataxia-telangiectasia, complementation group E. Identifiers: Orphanet 100, MedGen C0004135, MONDO:0008840, OMIM 208900.
Familial cancer of breast. Also called: Hereditary breast cancer; BREAST CANCER, FAMILIAL; hereditary breast carcinoma. Identifiers: Orphanet 227535, MedGen C0346153, MONDO:0016419, OMIM 114480. Disease mechanism: loss of function.

Allele frequency attached by ClinVar (database versions not stated): gnomAD exomes below 0.00001; gnomAD 0.00001; TOPMed below 0.00001.
gnomAD v4.1: 4 of 1,614,068 alleles (0.00025%); highest among the groups gnomAD compares: Non-Finnish European, 0.00025%; no homozygotes.

Submissions (4):

Labcorp Genetics (formerly Invitae), Labcorp
Classification: Likely benign for Ataxia-telangiectasia syndrome. Last evaluated: 2025-04-20. Review status: criteria provided, single submitter. Criteria: Invitae Variant Classification Sherloc (09022015). Collection method: clinical testing. Allele origin: germline.

Myriad Genetics, Inc.
Classification: Benign for Familial cancer of breast. Last evaluated: 2024-06-13. Review status: criteria provided, single submitter. Criteria: Myriad Autosomal Dominant, Autosomal Recessive and X-Linked Classification Criteria (2023). Collection method: clinical testing. Allele origin: unknown.
Comment: This variant is considered benign. This variant is a silent/synonymous amino acid change and it is not expected to impact splicing.

Color Diagnostics, LLC DBA Color Health
Classification: Likely benign for Hereditary cancer-predisposing syndrome. Last evaluated: 2023-06-26. Review status: criteria provided, single submitter. Criteria: ACMG Guidelines, 2015. Collection method: clinical testing. Allele origin: germline.

Ambry Genetics
Classification: Likely benign for Hereditary cancer-predisposing syndrome. Last evaluated: 2019-12-23. Review status: criteria provided, single submitter. Criteria: Ambry Variant Classification Scheme 2023. Collection method: clinical testing. Allele origin: germline.